The following is an entry in ClinVar:

NM_015450.3(POT1):c.1340T>A (p.Leu447His)

Gene: POT1 (protection of telomeres 1; minus strand). Cytogenetic location: 7q31.33.
Variant type: single nucleotide variant.
Coding change: c.1340T>A on transcript NM_015450.3 (MANE Select); coding-DNA position 1340, T replaced by A.
Protein change: p.Leu447His; replaces leucine 447 with histidine.
Molecular consequence: missense variant. On other transcripts: non-coding transcript variant (3).
Genome position (GRCh38, 1-based): chr7:124,841,002, A>T on the plus strand (T>A on the coding strand, the complement: POT1 is on the minus strand). VCF-style: chr7-124841002-A-T. GRCh37 (hg19) VCF-style: chr7-124481056-A-T.
Other names: c.947T>A, p.Leu316His (NM_001042594.2); short protein forms L447H, L316H.
Identifiers: ClinVar variation 949830 (VCV000949830.12), dbSNP rs1450240396, ClinGen allele CA369066753.

ClinVar aggregate classification (germline): Conflicting classifications of pathogenicity. Review status: criteria provided, conflicting classifications (1 of 4 stars). 2 submissions from 2 submitters: Uncertain significance (1); Likely benign (1). Last evaluated 2023-11-17.

Conditions:
Tumor predisposition syndrome 3 (TPDS3). Also called: Glioma susceptibility 9; LONG TELOMERE SYNDROME, POT1-RELATED; POT1 Tumor Predisposition; Melanoma, cutaneous malignant, susceptibility to, 10. Identifiers: Orphanet 618, MedGen C4014476, MONDO:0014368, OMIM 615848.
Hereditary cancer-predisposing syndrome. Also called: Neoplastic Syndromes, Hereditary; Tumor predisposition; Hereditary Cancer Syndrome; Hereditary neoplastic syndrome. Identifiers: Orphanet 140162, MedGen C0027672, MeSH D009386, MONDO:0015356.

Allele frequency attached by ClinVar (database versions not stated): gnomAD exomes below 0.00001; TOPMed below 0.00001.
gnomAD v4.1: 10 of 1,609,882 alleles (0.00062%); highest among the groups gnomAD compares: Non-Finnish European, 0.00085%; no homozygotes.

Submissions (2):

Ambry Genetics
Classification: Likely benign for Hereditary cancer-predisposing syndrome. Last evaluated: 2023-11-17. Review status: criteria provided, single submitter. Criteria: Ambry Variant Classification Scheme 2023. Collection method: clinical testing. Allele origin: germline.

Labcorp Genetics (formerly Invitae), Labcorp
Classification: Uncertain significance for Tumor predisposition syndrome 3. Last evaluated: 2023-01-02. Review status: criteria provided, single submitter. Criteria: Invitae Variant Classification Sherloc (09022015). Collection method: clinical testing. Allele origin: germline.
Comment: In summary, the available evidence is currently insufficient to determine the role of this variant in disease. Therefore, it has been classified as a Variant of Uncertain Significance. Advanced modeling of protein sequence and biophysical properties (such as structural, functional, and spatial information, amino acid conservation, physicochemical variation, residue mobility, and thermodynamic stability) performed at Invitae indicates that this missense variant is not expected to disrupt POT1 protein function. ClinVar contains an entry for this variant (Variation ID: 949830). This variant has not been reported in the literature in individuals affected with POT1-related conditions. This variant is present in population databases (no rsID available, gnomAD 0.0009%). This sequence change replaces leucine, which is neutral and non-polar, with histidine, which is basic and polar, at codon 447 of the POT1 protein (p.Leu447His).